The following is an entry in ClinVar:

ClinVar aggregate classification (germline): Pathogenic/Likely pathogenic. Review status: criteria provided, multiple submitters, no conflicts (2 of 4 stars). 3 submissions from 3 submitters: Pathogenic (1); Likely pathogenic (2). Last evaluated 2025-03-27.

Conditions:
Congenital heart defects, dysmorphic facial features, and intellectual developmental disorder (CHDFIDD). Identifiers: Orphanet 646278, MedGen C4479246, MONDO:0044302, OMIM 617360.

Submissions (3):

Ozbek Human Genetics Laboratory, Izmir Biomedicine and Genome Center
Classification: Likely pathogenic for Congenital heart defects, dysmorphic facial features, and intellectual developmental disorder. Last evaluated: 2025-03-27. Review status: criteria provided, single submitter. Criteria: ACMG Guidelines, 2015. Collection method: research. Allele origin: de novo. Affected: yes. Observed: 1 variant allele, 1 heterozygote.
Comment: A heterozygous missense variant, p.Arg860Gln, was identified in exon 7 of the CDK13 gene (NM_003718.5). This variant has not been previously observed in population databases (PM2). It is located in a "mutational hot spot" region where pathogenic variants of the CDK13 gene are frequently observed (PM1). In silico algorithms (AlphaMissense, REVEL) predict a deleterious effect at the protein level (PP3). The variant is listed as "pathogenic" in the ClinVar database. Furthermore, this variant was reported as pathogenic in a patient cohort published in 2018. Given this evidence, the variant is classified as Likely Pathogenic according to ACMG criteria. The variant was shown to be inherited de novo, as it was not observed in either parent. The CDK13 gene is associated in the OMIM database with "Congenital heart defects, dysmorphic facial features, and intellectual developmental disorder," which is inherited in an autosomal dominant manner via de novo mutations. Data obtained via the RAREBOOST project (Horizon 2020 ERA Chairs at Izmir Biomedicine and Genome Center - IBG)

3billion
Classification: Likely pathogenic for Congenital heart defects, dysmorphic facial features, and intellectual developmental disorder. Last evaluated: 2024-12-11. Review status: criteria provided, single submitter. Criteria: ACMG Guidelines, 2015. Collection method: clinical testing. Allele origin: germline. Affected: yes.
Comment: The variant is not observed in the gnomAD v4.1.0 dataset. Predicted Consequence/Location: Missense variant In silico tool predictions suggest damaging effect of the variant on gene or gene product [REVEL: 0.62 (>=0.6, sensitivity 0.68 and specificity 0.92); 3Cnet: 0.88 (>=0.6, sensitivity 0.72 and precision 0.9)]. The same nucleotide change resulting in the same amino acid change has been previously reported to be associated with CDK13-related disorder (ClinVar ID: VCV001695841). The variant has been previously reported as de novo in a similarly affected individual (PMID: 29021403). Therefore, this variant is classified as Likely pathogenic according to the recommendation of ACMG/AMP guideline.

GeneDx
Classification: Pathogenic. Last evaluated: 2023-10-16. Review status: criteria provided, single submitter. Criteria: GeneDx Variant Classification Process June 2021. Collection method: clinical testing. Allele origin: germline. Affected: yes.
Comment: Not observed at significant frequency in large population cohorts (gnomAD); In silico analysis supports that this missense variant has a deleterious effect on protein structure/function; This variant is associated with the following publications: (PMID: 28867141, 28135719, 29021403, 31785789)

Literature cited by the submitters: PubMed 29021403 (cited by 3billion).

NM_003718.5(CDK13):c.2579G>A (p.Arg860Gln)

Gene: CDK13 (cyclin dependent kinase 13; plus strand). Cytogenetic location: 7p14.1.
Variant type: single nucleotide variant.
Coding change: c.2579G>A on transcript NM_003718.5 (MANE Select); coding-DNA position 2579, G replaced by A.
Protein change: p.Arg860Gln; replaces arginine 860 with glutamine.
Molecular consequence: missense variant.
Genome position (GRCh38, 1-based): chr7:40,047,856, G>A. VCF-style: chr7-40047856-G-A. GRCh37 (hg19) VCF-style: chr7-40087455-G-A.
Other names: c.2579G>A, p.Arg860Gln (NM_031267.4); short protein forms R860Q.
Identifiers: ClinVar variation 1695841 (VCV001695841.5), dbSNP rs2150517060, ClinGen allele CA367280883.
Genomic context (GRCh38, chr7:40,047,856, plus strand): 5'-GTTCATTTTGTCTTATTTCCACCAGAGGGCAGATAAAACTTGCAGACTTTGGACTTGCTC[G>A]ATTGTATAGCTCAGAAGAAAGGTAAGCATACCTTCAAATGAATATTGTAGATACTAGAGT-3'
Protein context (NP_003709.3, residues 850-870): QIKLADFGLA[Arg860Gln]LYSSEESRPY